The following is an entry in ClinVar:

ClinVar aggregate classification (germline): Conflicting classifications of pathogenicity. Review status: criteria provided, conflicting classifications (1 of 4 stars). 2 submissions from 2 submitters: Uncertain significance (1); Likely benign (1). Last evaluated 2022-09-20.

Conditions:
Hereditary cancer-predisposing syndrome. Also called: Neoplastic Syndromes, Hereditary; Tumor predisposition; Hereditary Cancer Syndrome; Hereditary neoplastic syndrome. Identifiers: Orphanet 140162, MedGen C0027672, MeSH D009386, MONDO:0015356.
Fanconi anemia complementation group J. Also called: BRIP1-Related Fanconi Anemia. Identifiers: Orphanet 84, MedGen C1836860, MONDO:0012187, OMIM 609054.
Familial cancer of breast. Also called: BREAST CANCER, FAMILIAL; Hereditary breast cancer; hereditary breast carcinoma. Identifiers: Orphanet 227535, MedGen C0346153, MONDO:0016419, OMIM 114480. Disease mechanism: loss of function.

Allele frequency attached by ClinVar (database versions not stated): ExAC 0.00001.
gnomAD v4.1: 2 of 1,612,750 alleles (0.00012%); highest among the groups gnomAD compares: Non-Finnish European, 0.00017%; no homozygotes.

Submissions (2):

Labcorp Genetics (formerly Invitae), Labcorp
Classification: Uncertain significance for Familial cancer of breast; Fanconi anemia complementation group J. Last evaluated: 2022-09-20. Review status: criteria provided, single submitter. Criteria: Invitae Variant Classification Sherloc (09022015). Collection method: clinical testing. Allele origin: germline.
Comment: In summary, the available evidence is currently insufficient to determine the role of this variant in disease. Therefore, it has been classified as a Variant of Uncertain Significance. Advanced modeling of protein sequence and biophysical properties (such as structural, functional, and spatial information, amino acid conservation, physicochemical variation, residue mobility, and thermodynamic stability) performed at Invitae indicates that this missense variant is not expected to disrupt BRIP1 protein function. This variant has not been reported in the literature in individuals affected with BRIP1-related conditions. This variant is present in population databases (rs753965650, gnomAD 0.0009%). This sequence change replaces threonine, which is neutral and polar, with asparagine, which is neutral and polar, at codon 132 of the BRIP1 protein (p.Thr132Asn).

Ambry Genetics
Classification: Likely benign for Hereditary cancer-predisposing syndrome. Last evaluated: 2021-08-11. Review status: criteria provided, single submitter. Criteria: Ambry Variant Classification Scheme 2023. Collection method: clinical testing. Allele origin: germline.

NM_032043.3(BRIP1):c.395C>A (p.Thr132Asn)

Gene: BRIP1 (BRCA1 interacting DNA helicase 1; minus strand). Cytogenetic location: 17q23.2.
Variant type: single nucleotide variant.
Coding change: c.395C>A on transcript NM_032043.3 (MANE Select); coding-DNA position 395, C replaced by A.
Protein change: p.Thr132Asn; replaces threonine 132 with asparagine.
Molecular consequence: missense variant.
Genome position (GRCh38, 1-based): chr17:61,849,241, G>T on the plus strand (C>A on the coding strand, the complement: BRIP1 is on the minus strand). VCF-style: chr17-61849241-G-T. GRCh37 (hg19) VCF-style: chr17-59926602-G-T.
Other names: short protein forms T132N.
Identifiers: ClinVar variation 1736496 (VCV001736496.7), dbSNP rs753965650, ClinGen allele CA8690936.